The following is an entry in ClinVar:

NM_001164508.2(NEB):c.17939C>A (p.Ala5980Glu)

Gene: NEB (nebulin; minus strand). Cytogenetic location: 2q23.3.
Variant type: single nucleotide variant.
Coding change: c.17939C>A on transcript NM_001164508.2 (MANE Select); coding-DNA position 17939, C replaced by A.
Protein change: p.Ala5980Glu; replaces alanine 5980 with glutamic acid.
Molecular consequence: missense variant.
Genome position (GRCh38, 1-based): chr2:151,567,385, G>T on the plus strand (C>A on the coding strand, the complement: NEB is on the minus strand). VCF-style: chr2-151567385-G-T. GRCh37 (hg19) VCF-style: chr2-152423899-G-T.
Other names: c.17939C>A, p.Ala5980Glu (NM_001164507.2, NM_001271208.2); c.12836C>A, p.Ala4279Glu (NM_004543.5); short protein forms A5980E, A4279E.
Identifiers: ClinVar variation 1363448 (VCV001363448.8), dbSNP rs143582290, ClinGen allele CA348803807.
Genomic context (GRCh38, chr2:151,567,385, plus strand): 5'-ATTTTGGCCTTTGTTTTGTGATAGTCCTCTTTGTATAGTCTCTCATTCTGAATCTGGCCT[G>T]CATGCTCAAACCAAACCAGCTTAGGATCATCTCTCATCGTCGGGACACCAACATAATGAC-3'
Protein context (NP_001157980.2, residues 5970-5990): DDPKLVWFEH[Ala5980Glu]GQIQNERLYK

ClinVar aggregate classification (germline): Uncertain significance (1 of 4 stars; one submission).

Conditions:
Nemaline myopathy 2 (NEM2). Also called: Nemaline myopathy 2, autosomal recessive. Identifiers: MedGen C1850569, MONDO:0009725, OMIM 256030.

Submission:

Labcorp Genetics (formerly Invitae), Labcorp
Classification: Uncertain significance for Nemaline myopathy 2. Last evaluated: 2021-06-25. Review status: criteria provided, single submitter. Criteria: Invitae Variant Classification Sherloc (09022015). Collection method: clinical testing. Allele origin: germline.
Comment: In summary, the available evidence is currently insufficient to determine the role of this variant in disease. Therefore, it has been classified as a Variant of Uncertain Significance. Algorithms developed to predict the effect of missense changes on protein structure and function are either unavailable or do not agree on the potential impact of this missense change (SIFT: "Deleterious"; PolyPhen-2: "Not Available"; Align-GVGD: "Class C0"). This variant has not been reported in the literature in individuals with NEB-related conditions. This variant is not present in population databases (ExAC no frequency). This sequence change replaces alanine with glutamic acid at codon 5980 of the NEB protein (p.Ala5980Glu). The alanine residue is moderately conserved and there is a moderate physicochemical difference between alanine and glutamic acid.